The following is an entry in ClinVar:

ClinVar aggregate classification (germline): Pathogenic. Review status: criteria provided, multiple submitters, no conflicts (2 of 4 stars). 4 submissions from 4 submitters: Pathogenic (3). 1 of the submissions does not count toward it. Last evaluated 2025-09-13.

Conditions:
Brody myopathy. Also called: BRODY DISEASE. Identifiers: Orphanet 53347, MedGen C1832918, MONDO:0010977, OMIM 601003.

Allele frequency attached by ClinVar (database versions not stated): TOPMed below 0.00001; gnomAD exomes 0.00001.
gnomAD v4.1: 21 of 1,614,208 alleles (0.0013%); highest among the groups gnomAD compares: Non-Finnish European, 0.0016%; no homozygotes.

Submissions (4):

Labcorp Genetics (formerly Invitae), Labcorp
Classification: Pathogenic for Brody myopathy. Last evaluated: 2025-09-13. Review status: criteria provided, single submitter. Criteria: Invitae Variant Classification Sherloc (09022015). Collection method: clinical testing. Allele origin: germline.
Comment: This sequence change creates a premature translational stop signal (p.Cys675*) in the ATP2A1 gene. It is expected to result in an absent or disrupted protein product. Loss-of-function variants in ATP2A1 are known to be pathogenic (PMID: 8841193, 10914677, 23911890). This variant is present in population databases (rs121918114, gnomAD 0.002%). This premature translational stop signal has been observed in individual(s) with Brody myopathy (PMID: 8841193). ClinVar contains an entry for this variant (Variation ID: 17803). For these reasons, this variant has been classified as Pathogenic.

Revvity Omics, Revvity
Classification: Pathogenic for Brody myopathy. Last evaluated: 2022-07-01. Review status: criteria provided, single submitter. Criteria: ACMG Guidelines, 2015. Collection method: clinical testing. Allele origin: germline.

Institute of Human Genetics, University Hospital of Duesseldorf
Classification: Pathogenic for Brody myopathy. Review status: criteria provided, single submitter. Criteria: ACMG Guidelines, 2015. Collection method: not provided. Allele origin: germline. Inheritance: Autosomal recessive inheritance. Affected: yes.

OMIM
Classification: Pathogenic for BRODY DISEASE. Last evaluated: 1996-10-01. Review status: no assertion criteria provided. Collection method: literature only. Allele origin: germline. Not counted in ClinVar's aggregate classification.

Literature cited by the submitters: PubMed 8841193 (cited by Labcorp Genetics (formerly Invitae), Labcorp and OMIM); PubMed 10914677 (cited by Labcorp Genetics (formerly Invitae), Labcorp); PubMed 23911890 (cited by Labcorp Genetics (formerly Invitae), Labcorp).

NM_004320.6(ATP2A1):c.2025C>A (p.Cys675Ter)

Gene: ATP2A1 (ATPase sarcoplasmic/endoplasmic reticulum Ca2+ transporting 1; plus strand). Cytogenetic location: 16p11.2.
Variant type: single nucleotide variant.
Coding change: c.2025C>A on transcript NM_004320.6 (MANE Select); coding-DNA position 2025, C replaced by A.
Protein change: p.Cys675Ter; replaces cysteine 675 with a stop codon.
Molecular consequence: nonsense.
Genome position (GRCh38, 1-based): chr16:28,900,841, C>A. VCF-style: chr16-28900841-C-A. GRCh37 (hg19) VCF-style: chr16-28912162-C-A.
Other names: c.1650C>A, p.Cys550Ter (NM_001286075.2); c.2025C>A, p.Cys675Ter (NM_173201.5); c.2025C>A (NM_173201.4); short protein forms C675*, C550*.
Identifiers: ClinVar variation 17803 (VCV000017803.12), dbSNP rs121918114, ClinGen allele CA127436.